The following is an entry in ClinVar:

NM_016111.4(TELO2):c.1531G>T (p.Ala511Ser)

Gene: TELO2 (telomere maintenance 2; plus strand). Cytogenetic location: 16p13.3.
Variant type: single nucleotide variant.
Coding change: c.1531G>T on transcript NM_016111.4 (MANE Select); coding-DNA position 1531, G replaced by T.
Protein change: p.Ala511Ser; replaces alanine 511 with serine.
Molecular consequence: missense variant.
Genome position (GRCh38, 1-based): chr16:1,502,105, G>T. VCF-style: chr16-1502105-G-T. GRCh37 (hg19) VCF-style: chr16-1552106-G-T.
Other names: c.1531G>T, p.Ala511Ser (NM_001351846.2); c.1531G>T (NM_016111.3); short protein forms A511S.
Identifiers: ClinVar variation 2198733 (VCV002198733.5), dbSNP rs778812141, ClinGen allele CA7812187.
Genomic context (GRCh38, chr16:1,502,105, plus strand): 5'-AGCGATGATGAGTTTGTCCCCTACGACATGTCGGGGGACAGAGAGCTGAAGAGCAGCAAG[G>T]CTCCTGCCTACGTCCGGGACTGCGTGGAAGGTGGGCACGGGCCCCTGGAGGGCCTTGCTG-3'
Protein context (NP_057195.2, residues 501-521): SGDRELKSSK[Ala511Ser]PAYVRDCVEA

ClinVar aggregate classification (germline): Uncertain significance. Review status: criteria provided, multiple submitters, no conflicts (2 of 4 stars). 2 submissions from 2 submitters: Uncertain significance (2). Last evaluated 2025-10-02.

Conditions:
Inborn genetic diseases. Identifiers: MedGen C0950123, MeSH D030342.

Allele frequency attached by ClinVar (database versions not stated): ExAC 0.00003.
gnomAD v4.1: 36 of 1,612,984 alleles (0.0022%); highest among the groups gnomAD compares: African/African-American, 0.016%; no homozygotes.

Submissions (2):

Labcorp Genetics (formerly Invitae), Labcorp
Classification: Uncertain significance. Last evaluated: 2025-10-02. Review status: criteria provided, single submitter. Criteria: Invitae Variant Classification Sherloc (09022015). Collection method: clinical testing. Allele origin: germline.
Comment: This sequence change replaces alanine, which is neutral and non-polar, with serine, which is neutral and polar, at codon 511 of the TELO2 protein (p.Ala511Ser). This variant is present in population databases (rs778812141, gnomAD 0.02%). This variant has not been reported in the literature in individuals affected with TELO2-related conditions. ClinVar contains an entry for this variant (Variation ID: 2198733). Invitae Evidence Modeling of protein sequence and biophysical properties (such as structural, functional, and spatial information, amino acid conservation, physicochemical variation, residue mobility, and thermodynamic stability) indicates that this missense variant is not expected to disrupt TELO2 protein function with a negative predictive value of 95%. In summary, the available evidence is currently insufficient to determine the role of this variant in disease. Therefore, it has been classified as a Variant of Uncertain Significance.

Ambry Genetics
Classification: Uncertain significance for Inborn genetic diseases. Last evaluated: 2025-06-10. Review status: criteria provided, single submitter. Criteria: Ambry Variant Classification Scheme 2023. Collection method: clinical testing. Allele origin: germline.